The following is an entry in ClinVar:

ClinVar aggregate classification (germline): Benign/Likely benign. Review status: criteria provided, multiple submitters, no conflicts (2 of 4 stars). 5 submissions from 5 submitters: Benign (1); Likely benign (4). Last evaluated 2026-01-29.

Conditions:
Familial thoracic aortic aneurysm and aortic dissection (TAAD). Also called: Thoracic aortic aneurysms and dissections. Identifiers: Orphanet 91387, MedGen C4707243, MONDO:0019625.
Aortic aneurysm, familial thoracic 4 (AAT4). Also called: AORTIC ANEURYSM/AORTIC DISSECTION AND PATENT DUCTUS ARTERIOSUS. Identifiers: MedGen C1851504, MONDO:0007568, OMIM 132900.

Allele frequency attached by ClinVar (database versions not stated): TOPMed 0.00002.
gnomAD v4.1: 36 of 1,613,992 alleles (0.0022%); highest among the groups gnomAD compares: South Asian, 0.016%; 1 homozygote.

Submissions (5):

Labcorp Genetics (formerly Invitae), Labcorp
Classification: Likely benign for Aortic aneurysm, familial thoracic 4. Last evaluated: 2026-01-29. Review status: criteria provided, single submitter. Criteria: Invitae Variant Classification Sherloc (09022015). Collection method: clinical testing. Allele origin: germline.

All of Us Research Program, National Institutes of Health
Classification: Likely benign for Familial thoracic aortic aneurysm and aortic dissection. Last evaluated: 2024-02-05. Review status: criteria provided, single submitter. Criteria: ACMG Guidelines, 2015. Collection method: clinical testing. Allele origin: germline. Inheritance: Autosomal dominant inheritance. Observed: 7 variant alleles, 7 heterozygotes.
Comment: This study involves interpretation of variants in research participants for the purpose of population health screening. Participant phenotype was not available at the time of variant classification. Additional details can be found in publication PMID: 35346344, PMCID: PMC8962531

Women's Health and Genetics/Laboratory Corporation of America, LabCorp
Classification: Benign. Last evaluated: 2022-09-12. Review status: criteria provided, single submitter. Criteria: LabCorp Variant Classification Summary - May 2015. Collection method: clinical testing. Allele origin: germline.
Comment: Variant summary: MYH11 c.348G>A (p.Thr116Thr) alters a conserved nucleotide located close to a canonical splice site and therefore could affect mRNA splicing. 4/4 computational tools predict no significant impact on normal splicing. However, these predictions have yet to be confirmed by functional studies. The variant allele was found at a frequency of 3.2e-05 in 251474 control chromosomes in the gnomAD database, including 1 homozygotes. This data suggests the variant to be a benign polymorphism. To our knowledge, no occurrence of c.348G>A in individuals affected with Thoracic Aortic Aneurysms And Dissections and no experimental evidence demonstrating its impact on protein function have been reported. Two clinical diagnostic laboratories have submitted clinical-significance assessments for this variant to ClinVar after 2014 without evidence for independent evaluation. All laboratories classified the variant as likely benign. Based on the evidence outlined above, the variant was classified as benign.

Color Diagnostics, LLC DBA Color Health
Classification: Likely benign for Familial thoracic aortic aneurysm and aortic dissection. Last evaluated: 2022-03-17. Review status: criteria provided, single submitter. Criteria: ACMG Guidelines, 2015. Collection method: clinical testing. Allele origin: germline.

Ambry Genetics
Classification: Likely benign for Familial thoracic aortic aneurysm and aortic dissection. Last evaluated: 2019-11-04. Review status: criteria provided, single submitter. Criteria: Ambry Variant Classification Scheme 2023. Collection method: clinical testing. Allele origin: germline.

NM_002474.3(MYH11):c.348G>A (p.Thr116=)

Gene: MYH11 (myosin heavy chain 11; minus strand). Cytogenetic location: 16p13.11.
Variant type: single nucleotide variant.
Coding change: c.348G>A on transcript NM_002474.3 (MANE Select); coding-DNA position 348, G replaced by A.
Protein change: p.Thr116=; no amino-acid change (threonine 116 retained).
Molecular consequence: synonymous variant.
Genome position (GRCh38, 1-based): chr16:15,823,409, C>T on the plus strand (G>A on the coding strand, the complement: MYH11 is on the minus strand). VCF-style: chr16-15823409-C-T. GRCh37 (hg19) VCF-style: chr16-15917266-C-T.
Other names: c.348G>A, p.Thr116= (NM_001040113.2, NM_001040114.2, NM_022844.3).
Identifiers: ClinVar variation 534167 (VCV000534167.16), dbSNP rs781275376, ClinGen allele CA7923064.